The following is an entry in ClinVar:

ClinVar aggregate classification (germline): Uncertain significance (1 of 4 stars; one submission).

Conditions:
PREX2-related disorder. Also called: PREX2-related condition.

Submission:

PreventionGenetics, part of Exact Sciences
Classification: Uncertain significance for PREX2-related condition. Last evaluated: 2023-04-19. Review status: criteria provided, single submitter. Criteria: ACMG Guidelines, 2015. Collection method: clinical testing. Allele origin: germline.
Comment: The PREX2 c.1504delT variant is predicted to result in a frameshift and premature protein termination (p.Tyr502Thrfs*3). To our knowledge, this variant has not been reported in the literature or in a large population database, indicating this variant is rare. At this time, the clinical significance of this variant is uncertain due to the absence of conclusive functional and genetic evidence.

NM_024870.4(PREX2):c.1504del (p.Tyr502fs)

Gene: PREX2 (phosphatidylinositol-3,4,5-trisphosphate dependent Rac exchange factor 2; plus strand). Cytogenetic location: 8q13.2.
Variant type: Deletion.
Coding change: c.1504del on transcript NM_024870.4 (MANE Select); coding-DNA position 1504, one base deleted (T; older notation c.1504delT).
Protein change: p.Tyr502fs; shifts the reading frame from tyrosine 502.
Molecular consequence: frameshift variant.
Genome position (GRCh38, 1-based): chr8:68,072,505, T deleted; the last of 2 consecutive T bases (chr8:68,072,504-68,072,505); deleting either gives the same sequence. VCF-style (leftmost placement, unchanged base first): chr8-68072503-AT-A. GRCh37 (hg19) VCF-style: chr8-68984738-AT-A.
Other names: c.1504del, p.Tyr502fs (NM_025170.6); short protein forms Y502fs.
Identifiers: ClinVar variation 2628843 (VCV002628843.1), dbSNP rs2536556671, ClinGen allele CA2695201482.